The following is an entry in ClinVar:

ClinVar aggregate classification (germline): Conflicting classifications of pathogenicity. Review status: criteria provided, conflicting classifications (1 of 4 stars). 2 submissions from 2 submitters: Likely pathogenic (1); Uncertain significance (1). Last evaluated 2022-09-21.

Conditions:
Ehlers-Danlos syndrome, classic type, 1 (EDSCL1). Also called: Ehlers-Danlos Syndrome, Classic Type, COL5A1-Related; EDS I; Ehlers-Danlos syndrome, type 1; EHLERS-DANLOS SYNDROME, GRAVIS TYPE; EHLERS-DANLOS SYNDROME, SEVERE CLASSIC TYPE. Identifiers: MedGen C0268335, MONDO:0019567, OMIM 130000.
Osteogenesis imperfecta type I (OI1). Also called: Lobstein disease; Classic Non-deforming Osteogenesis Imperfecta with Blue Sclerae; OI, TYPE I; OSTEOGENESIS IMPERFECTA TARDA; OSTEOGENESIS IMPERFECTA WITH BLUE SCLERAE; Osteogenesis imperfecta type 1. Identifiers: Orphanet 216796, Orphanet 666, MedGen C0023931, MONDO:0008146, OMIM 166200. Disease mechanism: loss of function.
Osteogenesis imperfecta (OI). Identifiers: Orphanet 666, MedGen C0029434, MeSH D010013, MONDO:0019019.

Submissions (2):

Labcorp Genetics (formerly Invitae), Labcorp
Classification: Uncertain significance for Osteogenesis imperfecta type I; Ehlers-Danlos syndrome, classic type, 1. Last evaluated: 2022-09-21. Review status: criteria provided, single submitter. Criteria: Invitae Variant Classification Sherloc (09022015). Collection method: clinical testing. Allele origin: germline.
Comment: This variant has not been reported in the literature in individuals affected with COL1A2-related conditions. This variant is not present in population databases (gnomAD no frequency). This sequence change replaces alanine, which is neutral and non-polar, with proline, which is neutral and non-polar, at codon 1119 of the COL1A2 protein (p.Ala1119Pro). ClinVar contains an entry for this variant (Variation ID: 35949). In summary, the available evidence is currently insufficient to determine the role of this variant in disease. Therefore, it has been classified as a Variant of Uncertain Significance. This variant disrupts the p.Ala1119 amino acid residue in COL1A2. Other variant(s) that disrupt this residue have been observed in individuals with COL1A2-related conditions (PMID: 21344539, 32920552), which suggests that this may be a clinically significant amino acid residue. Advanced modeling of protein sequence and biophysical properties (such as structural, functional, and spatial information, amino acid conservation, physicochemical variation, residue mobility, and thermodynamic stability) performed at Invitae indicates that this missense variant is not expected to disrupt COL1A2 protein function.

Women's Health and Genetics/Laboratory Corporation of America, LabCorp
Classification: Likely pathogenic for Osteogenesis Imperfecta. Last evaluated: 2011-08-18. Review status: criteria provided, single submitter. Criteria: LabCorp Variant Classification Summary - May 2015. Collection method: curation, clinical testing. Allele origin: germline. Inheritance: autosomal unknown. Affected: yes.
ClinVar note: Converted during submission from likely pathogenic to Likely pathogenic.

Literature cited by the submitters: PubMed 21344539 (cited by Labcorp Genetics (formerly Invitae), Labcorp); PubMed 32920552 (cited by Labcorp Genetics (formerly Invitae), Labcorp).

NM_000089.4(COL1A2):c.3355G>C (p.Ala1119Pro)

Gene: COL1A2 (collagen type I alpha 2 chain; plus strand). Cytogenetic location: 7q21.3.
Variant type: single nucleotide variant.
Coding change: c.3355G>C on transcript NM_000089.4 (MANE Select); coding-DNA position 3355, G replaced by C.
Protein change: p.Ala1119Pro; replaces alanine 1119 with proline.
Molecular consequence: missense variant.
Genome position (GRCh38, 1-based): chr7:94,427,714, G>C. VCF-style: chr7-94427714-G-C. GRCh37 (hg19) VCF-style: chr7-94057026-G-C.
Other names: short protein forms A1119P.
Identifiers: ClinVar variation 35949 (VCV000035949.8), dbSNP rs193922168, ClinGen allele CA260370.